The following is an entry in ClinVar:

ClinVar aggregate classification (germline): Conflicting classifications of pathogenicity. Review status: criteria provided, conflicting classifications (1 of 4 stars). 2 submissions from 2 submitters: Uncertain significance (1); Likely benign (1). Last evaluated 2024-05-13.

Conditions:
Intellectual disability. Also called: Intellectual functioning disability; intellectual disabilities; Intellectual developmental disorder. Identifiers: MedGen C3714756, MeSH D008607, MONDO:0001071, HP:0001249.
Christianson syndrome (MRXSCH). Also called: X-linked mental retardation, syndromic, Christianson type; SLC9A6-Related Syndromic Mental Retardation; INTELLECTUAL DEVELOPMENTAL DISORDER, X-LINKED, SYNDROMIC, CHRISTIANSON TYPE. Identifiers: Orphanet 85278, MedGen C2678194, MONDO:0010278, OMIM 300243.

Submissions (2):

Labcorp Genetics (formerly Invitae), Labcorp
Classification: Uncertain significance for Christianson syndrome. Last evaluated: 2024-05-13. Review status: criteria provided, single submitter. Criteria: Invitae Variant Classification Sherloc (09022015). Collection method: clinical testing. Allele origin: germline.
Comment: This sequence change replaces alanine, which is neutral and non-polar, with valine, which is neutral and non-polar, at codon 287 of the SLC9A6 protein (p.Ala287Val). This variant is present in population databases (no rsID available, gnomAD 0.004%). This variant has not been reported in the literature in individuals affected with SLC9A6-related conditions. Advanced modeling of protein sequence and biophysical properties (such as structural, functional, and spatial information, amino acid conservation, physicochemical variation, residue mobility, and thermodynamic stability) performed at Invitae indicates that this missense variant is not expected to disrupt SLC9A6 protein function with a negative predictive value of 80%. In summary, the available evidence is currently insufficient to determine the role of this variant in disease. Therefore, it has been classified as a Variant of Uncertain Significance.

Cambridge Genomics Laboratory, East Genomic Laboratory Hub, NHS Genomic Medicine Service
Classification: Likely benign for Intellectual disability. Last evaluated: 2019-09-03. Review status: criteria provided, single submitter. Criteria: ACGS Best Practice Guidelines for Variant Classification in Rare Disease 2020. Collection method: clinical testing. Allele origin: germline. Affected: yes. Observed: 1 variant allele.

NM_001379110.1(SLC9A6):c.800C>T (p.Ala267Val)

Gene: SLC9A6 (solute carrier family 9 member A6; plus strand). Cytogenetic location: Xq26.3.
Variant type: single nucleotide variant.
Coding change: c.800C>T on transcript NM_001379110.1 (MANE Select); coding-DNA position 800, C replaced by T.
Protein change: p.Ala267Val; replaces alanine 267 with valine.
Molecular consequence: missense variant.
Genome position (GRCh38, 1-based): chrX:136,010,498, C>T. VCF-style: chrX-136010498-C-T. GRCh37 (hg19) VCF-style: chrX-135092657-C-T.
Other names: c.956C>T, p.Ala319Val (NM_001042537.2); c.800C>T, p.Ala267Val (NM_001177651.2, NM_001400909.1, NM_001400910.1 and 2 more transcripts); c.704C>T, p.Ala235Val (NM_001330652.2, NM_001400913.1); c.860C>T, p.Ala287Val (NM_006359.3); short protein forms A235V, A267V, A287V, A319V.
Identifiers: ClinVar variation 3615702 (VCV003615702.3).